The following is an entry in ClinVar:

ClinVar aggregate classification (germline): Likely benign (1 of 4 stars; one submission).

Conditions:
Ornithine carbamoyltransferase deficiency (OTCD). Also called: ORNITHINE TRANSCARBAMYLASE DEFICIENCY; ORNITHINE TRANSCARBAMYLASE DEFICIENCY, HYPERAMMONEMIA DUE TO; OTC DEFICIENCY; Ornithine Carbamoyltransferase Deficiency Disease. Identifiers: Orphanet 664, MedGen C0268542, MONDO:0010703, OMIM 311250.

gnomAD v4.1: 1 of 1,026,844 alleles (0.000097%); highest among the groups gnomAD compares: Non-Finnish European, 0.00014%; no homozygotes.

Submission:

All of Us Research Program, National Institutes of Health
Classification: Likely benign for Ornithine carbamoyltransferase deficiency. Last evaluated: 2023-12-13. Review status: criteria provided, single submitter. Criteria: ACMG Guidelines, 2015. Collection method: clinical testing. Allele origin: germline. Inheritance: X-linked inheritance. Observed: 1 variant allele, 1 heterozygote.
Comment: This study involves interpretation of variants in research participants for the purpose of population health screening. Participant phenotype was not available at the time of variant classification. Additional details can be found in publication PMID: 35346344, PMCID: PMC8962531

NM_000531.6(OTC):c.217-15G>C

Gene: OTC (ornithine transcarbamylase; plus strand). Cytogenetic location: Xp11.4.
Variant type: single nucleotide variant.
Coding change: c.217-15G>C on transcript NM_000531.6 (MANE Select); 15 bases into the intron before coding-DNA position 217, G replaced by C.
Molecular consequence: intron variant.
Genome position (GRCh38, 1-based): chrX:38,369,781, G>C. VCF-style: chrX-38369781-G-C. GRCh37 (hg19) VCF-style: chrX-38229034-G-C.
Other names: c.217-15G>C (NM_001407092.1).
Identifiers: ClinVar variation 3074723 (VCV003074723.1), dbSNP rs751199337, ClinGen allele CA2693443361.